The following is an entry in ClinVar:

NM_018699.4(PRDM5):c.1767T>G (p.Ile589Met)

Gene: PRDM5 (PR/SET domain 5; minus strand). Cytogenetic location: 4q27.
Variant type: single nucleotide variant.
Coding change: c.1767T>G on transcript NM_018699.4 (MANE Select); coding-DNA position 1767, T replaced by G.
Protein change: p.Ile589Met; replaces isoleucine 589 with methionine.
Molecular consequence: missense variant. On other transcripts: 3 prime UTR variant (1).
Genome position (GRCh38, 1-based): chr4:120,695,237, A>C on the plus strand (T>G on the coding strand, the complement: PRDM5 is on the minus strand). VCF-style: chr4-120695237-A-C. GRCh37 (hg19) VCF-style: chr4-121616392-A-C.
Other names: c.1674T>G, p.Ile558Met (NM_001300823.2); c.*82T>G (NM_001300824.2); c.1800T>G, p.Ile600Met (NM_001379104.1); c.1569T>G, p.Ile523Met (NM_001379106.1); short protein forms I558M, I589M, I523M, I600M.
Identifiers: ClinVar variation 4614753 (VCV004614753.1).
Genomic context (GRCh38, chr4:120,695,237, plus strand): 5'-CTTATGGCAAAACTGGCATTCTGCCAGGGGACGATTGGGATTATGAGTCATCTTGTGTCG[A>C]ATCAGCATTTTCTTCAGGCTAAAAGCCAAATCACAAACCTAGAAAAGACCCAAAGACCAA-3'
Protein context (NP_061169.2, residues 579-599): DLAFSLKKML[Ile589Met]RHKMTHNPNR

ClinVar aggregate classification (germline): Uncertain significance (1 of 4 stars; one submission).

Conditions:
Cardiovascular phenotype. Identifiers: MedGen CN230736.

gnomAD v4.1: 15 of 1,613,582 alleles (0.00093%); highest among the groups gnomAD compares: Non-Finnish European, 0.0013%; no homozygotes.

Submission:

Ambry Genetics
Classification: Uncertain significance for Cardiovascular phenotype. Last evaluated: 2025-12-10. Review status: criteria provided, single submitter. Criteria: Ambry Variant Classification Scheme 2023. Collection method: clinical testing. Allele origin: germline.
Comment: The p.I589M variant (also known as c.1767T>G), located in coding exon 16 of the PRDM5 gene, results from a T to G substitution at nucleotide position 1767. The isoleucine at codon 589 is replaced by methionine, an amino acid with highly similar properties. This amino acid position is conserved. In addition, this alteration is predicted to be tolerated by in silico analysis. Based on the available evidence, the clinical significance of this variant remains unclear.